The following is an entry in ClinVar:

ClinVar aggregate classification (germline): Uncertain significance (1 of 4 stars; one submission).

Conditions:
Combined oxidative phosphorylation deficiency 55 (COXPD55). Identifiers: MedGen C5676915, MONDO:0859228, OMIM 619743.

gnomAD v4.1: 128 of 1,611,256 alleles (0.0079%); highest among the groups gnomAD compares: African/African-American, 0.15%; no homozygotes.

Submission:

3billion
Classification: Uncertain significance for Combined oxidative phosphorylation deficiency 55. Last evaluated: 2024-09-28. Review status: criteria provided, single submitter. Criteria: ACMG Guidelines, 2015. Collection method: clinical testing. Allele origin: germline. Affected: yes.
Comment: The variant is observed at an extremely low frequency in the gnomAD v4.0.0 dataset (total allele frequency: 0.008%). Predicted Consequence/Location: Intron variant In silico tools predict the variant to alter splicing and produce an abnormal transcript [SpliceAI: 0.32 (>=0.2, moderate evidence for spliceogenicity)]. Therefore, this variant is classified as VUS according to the recommendation of ACMG/AMP guideline.

NM_005035.4(POLRMT):c.3066+4C>A

Gene: POLRMT (RNA polymerase mitochondrial; minus strand). Cytogenetic location: 19p13.3.
Variant type: single nucleotide variant.
Coding change: c.3066+4C>A on transcript NM_005035.4 (MANE Select); 4 bases into the intron after coding-DNA position 3066, C replaced by A.
Molecular consequence: intron variant. On other transcripts: missense variant (1).
Genome position (GRCh38, 1-based): chr19:619,582, G>T on the plus strand (C>A on the coding strand, the complement: POLRMT is on the minus strand). VCF-style: chr19-619582-G-T. GRCh37 (hg19) VCF-style: chr19-619582-G-T.
Other names: c.3070C>A, p.Arg1024Ser (NM_001407808.1); c.3024+4C>A (NM_001407813.1, NM_001407811.1); c.3054+4C>A (NM_001407810.1, NM_001407807.1); c.3057+4C>A (NM_001407809.1, NM_001407806.1); c.2841+4C>A (NM_001407832.1, NM_001407830.1); c.2943+4C>A (NM_001407829.1); c.2988+4C>A (NM_001407815.1, NM_001407814.1); c.3066+4C>A (NM_001407812.1, NM_001407816.1, NM_001407805.1); and 3 more; short protein forms R1024S.
Identifiers: ClinVar variation 4293906 (VCV004293906.1).